The following is an entry in ClinVar:

ClinVar aggregate classification (germline): Uncertain significance. Review status: criteria provided, multiple submitters, no conflicts (2 of 4 stars). 2 submissions from 2 submitters: Uncertain significance (2). Last evaluated 2024-12-16.

Conditions:
Ornithine aminotransferase deficiency (GACR). Also called: Ornithine ketoacid aminotransferase deficiency; Gyrate atrophy; Gyrate atrophy of choroid and retina; Girate atrophy of the retina; OKT DEFICIENCY; HYPERORNITHINEMIA WITH GYRATE ATROPHY OF CHOROID AND RETINA. Identifiers: Orphanet 414, MedGen C0018425, MONDO:0009796, OMIM 258870.
Inborn genetic diseases. Identifiers: MedGen C0950123, MeSH D030342.

Submissions (2):

Labcorp Genetics (formerly Invitae), Labcorp
Classification: Uncertain significance for Ornithine aminotransferase deficiency. Last evaluated: 2024-12-16. Review status: criteria provided, single submitter. Criteria: Invitae Variant Classification Sherloc (09022015). Collection method: clinical testing. Allele origin: germline.
Comment: This sequence change replaces alanine, which is neutral and non-polar, with valine, which is neutral and non-polar, at codon 270 of the OAT protein (p.Ala270Val). This variant is not present in population databases (gnomAD no frequency). This variant has not been reported in the literature in individuals affected with OAT-related conditions. ClinVar contains an entry for this variant (Variation ID: 1450412). Invitae Evidence Modeling of protein sequence and biophysical properties (such as structural, functional, and spatial information, amino acid conservation, physicochemical variation, residue mobility, and thermodynamic stability) indicates that this missense variant is expected to disrupt OAT protein function with a positive predictive value of 80%. This variant disrupts the p.Ala270 amino acid residue in OAT. Other variant(s) that disrupt this residue have been determined to be pathogenic (PMID: 1737786, 35856163). This suggests that this residue is clinically significant, and that variants that disrupt this residue are likely to be disease-causing. In summary, the available evidence is currently insufficient to determine the role of this variant in disease. Therefore, it has been classified as a Variant of Uncertain Significance.

Ambry Genetics
Classification: Uncertain significance for Inborn genetic diseases. Last evaluated: 2024-12-10. Review status: criteria provided, single submitter. Criteria: Ambry Variant Classification Scheme 2023. Collection method: clinical testing. Allele origin: germline.

Literature cited by the submitters: PubMed 1737786 (cited by Labcorp Genetics (formerly Invitae), Labcorp); PubMed 35856163 (cited by Labcorp Genetics (formerly Invitae), Labcorp).

NM_000274.4(OAT):c.809C>T (p.Ala270Val)

Gene: OAT (ornithine aminotransferase; minus strand). Cytogenetic location: 10q26.13.
Variant type: single nucleotide variant.
Coding change: c.809C>T on transcript NM_000274.4 (MANE Select); coding-DNA position 809, C replaced by T.
Protein change: p.Ala270Val; replaces alanine 270 with valine.
Molecular consequence: missense variant.
Genome position (GRCh38, 1-based): chr10:124,403,018, G>A on the plus strand (C>T on the coding strand, the complement: OAT is on the minus strand). VCF-style: chr10-124403018-G-A. GRCh37 (hg19) VCF-style: chr10-126091587-G-A.
Other names: c.809C>T (NM_000274.3); c.395C>T, p.Ala132Val (NM_001171814.2); c.809C>T, p.Ala270Val (NM_001322965.2, NM_001322966.2, NM_001322967.2 and 3 more transcripts); c.488C>T, p.Ala163Val (NM_001322971.2); c.209C>T, p.Ala70Val (NM_001322974.2); short protein forms A132V, A70V, A163V, A270V.
Identifiers: ClinVar variation 1450412 (VCV001450412.9), dbSNP rs2134456541, ClinGen allele CA378635532.